The following is an entry in ClinVar:

ClinVar aggregate classification (germline): Uncertain significance (1 of 4 stars; one submission).

gnomAD v4.1: 1 of 1,590,022 alleles (0.000063%); highest among the groups gnomAD compares: South Asian, 0.0011%; no homozygotes.

Submission:

Ambry Genetics
Classification: Uncertain significance. Last evaluated: 2025-02-09. Review status: criteria provided, single submitter. Criteria: Ambry Variant Classification Scheme 2023. Collection method: clinical testing. Allele origin: germline.
Comment: The p.D352G variant (also known as c.1055A>G), located in coding exon 9 of the GEN1 gene, results from an A to G substitution at nucleotide position 1055. The aspartic acid at codon 352 is replaced by glycine, an amino acid with similar properties. This amino acid position is conserved. In addition, the in silico prediction for this alteration is inconclusive. Based on the available evidence, the clinical significance of this variant remains unclear.

NM_001130009.3(GEN1):c.1055A>G (p.Asp352Gly)

Gene: GEN1 (GEN1 Holliday junction 5' flap endonuclease; plus strand). Cytogenetic location: 2p24.2.
Variant type: single nucleotide variant.
Coding change: c.1055A>G on transcript NM_001130009.3 (MANE Select); coding-DNA position 1055, A replaced by G.
Protein change: p.Asp352Gly; replaces aspartic acid 352 with glycine.
Molecular consequence: missense variant.
Genome position (GRCh38, 1-based): chr2:17,773,283, A>G. VCF-style: chr2-17773283-A-G. GRCh37 (hg19) VCF-style: chr2-17954550-A-G.
Other names: c.1055A>G, p.Asp352Gly (NM_182625.5); short protein forms D352G.
Identifiers: ClinVar variation 3853562 (VCV003853562.1).